The following is an entry in ClinVar:

ClinVar aggregate classification (germline): Uncertain significance (1 of 4 stars; one submission).

gnomAD v4.1: 10 of 1,613,708 alleles (0.00062%); highest among the groups gnomAD compares: East Asian, 0.0089%; no homozygotes.

Submission:

Labcorp Genetics (formerly Invitae), Labcorp
Classification: Uncertain significance. Last evaluated: 2022-03-23. Review status: criteria provided, single submitter. Criteria: Invitae Variant Classification Sherloc (09022015). Collection method: clinical testing. Allele origin: germline.
Comment: This sequence change replaces arginine, which is basic and polar, with serine, which is neutral and polar, at codon 61 of the ILDR1 protein (p.Arg61Ser). This variant is present in population databases (rs148962924, gnomAD 0.006%). This variant has not been reported in the literature in individuals affected with ILDR1-related conditions. Algorithms developed to predict the effect of missense changes on protein structure and function (SIFT, PolyPhen-2, Align-GVGD) all suggest that this variant is likely to be disruptive. In summary, the available evidence is currently insufficient to determine the role of this variant in disease. Therefore, it has been classified as a Variant of Uncertain Significance.

NM_001199799.2(ILDR1):c.181C>A (p.Arg61Ser)

Gene: ILDR1 (immunoglobulin like domain containing receptor 1; minus strand). Cytogenetic location: 3q13.33.
Variant type: single nucleotide variant.
Coding change: c.181C>A on transcript NM_001199799.2 (MANE Select); coding-DNA position 181, C replaced by A.
Protein change: p.Arg61Ser; replaces arginine 61 with serine.
Molecular consequence: missense variant.
Genome position (GRCh38, 1-based): chr3:122,007,039, G>T on the plus strand (C>A on the coding strand, the complement: ILDR1 is on the minus strand). VCF-style: chr3-122007039-G-T. GRCh37 (hg19) VCF-style: chr3-121725886-G-T.
Other names: c.181C>A, p.Arg61Ser (NM_001199800.2, NM_175924.4); short protein forms R61S.
Identifiers: ClinVar variation 2157127 (VCV002157127.1), dbSNP rs148962924, ClinGen allele CA2569026.